The following is an entry in ClinVar:

NM_001040108.2(MLH3):c.2520ACA[1] (p.Gln842del)

Gene: MLH3 (mutL homolog 3; minus strand). Cytogenetic location: 14q24.3.
Variant type: Microsatellite.
Coding change: c.2520ACA[1] on transcript NM_001040108.2 (MANE Select); one copy of the 3-base unit ACA starting at c.2520; the reference has two copies in a row; one copy, 3 bases deleted.
Protein change: p.Gln842del; deletes glutamine 842.
Molecular consequence: inframe indel (on NM_001040108.1).
Genome position (GRCh38, 1-based): chr14:75,047,131-75,047,133, TGT deleted on the plus strand (ACA on the coding strand, the reverse complement: MLH3 is on the minus strand); deleting any 3 consecutive bases within chr14:75,047,131-75,047,137 gives the same sequence; the position shown is the placement nearest the transcript's 3' end. VCF-style (leftmost placement, unchanged base first): chr14-75047130-CTGT-C. GRCh37 (hg19) VCF-style: chr14-75513833-CTGT-C.
Other names: c.2519_2521AAC[1], p.Gln842del (NM_001040108.1); c.2520ACA[1], p.Gln842del (NM_014381.3); c.2523_2525delACA (NM_001040108.1); short protein forms Q842del.
Identifiers: ClinVar variation 3396640 (VCV003396640.1).

ClinVar aggregate classification (germline): Uncertain significance (1 of 4 stars; one submission).

Submission:

Ambry Genetics
Classification: Uncertain significance. Last evaluated: 2024-08-13. Review status: criteria provided, single submitter. Criteria: Ambry Variant Classification Scheme 2023. Collection method: clinical testing. Allele origin: germline.
Comment: The c.2523_2525delACA variant (also known as p.Q842del) is located in coding exon 1 of the MLH3 gene. This variant results from an in-frame ACA deletion at nucleotide positions 2523 to 2525. This results in the in-frame deletion of a glutamine at codon 842. This amino acid position is not well conserved in available vertebrate species. In addition, this alteration is predicted to be neutral by in silico analysis (Choi Y et al. PLoS ONE. 2012; 7(10):e46688). The evidence for this gene-disease relationship is limited; therefore, the clinical significance of this alteration is unclear.